The following is an entry in ClinVar:

NM_001136023.3(NFE2):c.1093C>G (p.Arg365Gly)

Gene: NFE2 (nuclear factor, erythroid 2; minus strand). Cytogenetic location: 12q13.13.
Variant type: single nucleotide variant.
Coding change: c.1093C>G on transcript NM_001136023.3 (MANE Select); coding-DNA position 1093, C replaced by G.
Protein change: p.Arg365Gly; replaces arginine 365 with glycine.
Molecular consequence: missense variant.
Genome position (GRCh38, 1-based): chr12:54,292,403, G>C on the plus strand (C>G on the coding strand, the complement: NFE2 is on the minus strand). VCF-style: chr12-54292403-G-C. GRCh37 (hg19) VCF-style: chr12-54686187-G-C.
Other names: c.1093C>G, p.Arg365Gly (NM_001261461.2, NM_001400365.1, NM_006163.3); c.790C>G, p.Arg264Gly (NM_001400372.1, NM_001400373.1); short protein forms R264G, R365G.
Identifiers: ClinVar variation 3390337 (VCV003390337.14).
Genomic context (GRCh38, chr12:54,292,403, plus strand): 5'-CCCATCAGCAGTTCCACCCCTCTGGGCCAGCTCAGTCTGTGGCCTCCATCTTGGTCCCCC[G>C]GGGCACAAGGAAGATGGTCCCATCGGCAGCCTGTTGCAGCGCGTACTCTTCAGGAGAGTA-3'
Protein context (NP_001129495.1, residues 355-373): AADGTIFLVP[Arg365Gly]GTKMEATD

ClinVar aggregate classification (germline): Likely benign (1 of 4 stars; one submission).

gnomAD v4.1: 93 of 1,613,950 alleles (0.0058%); highest among the groups gnomAD compares: South Asian, 0.021%; 2 homozygotes.

Submission:

CeGaT Center for Human Genetics Tuebingen
Classification: Likely benign. Last evaluated: 2024-09-01. Review status: criteria provided, single submitter. Criteria: CeGaT Center For Human Genetics Tuebingen Variant Classification Criteria Version 2. Collection method: clinical testing. Allele origin: germline. Affected: yes. Observed: 1 variant allele.
Comment: NFE2: BP4